The following is an entry in ClinVar:

NM_000631.5(NCF4):c.409C>T (p.Pro137Ser)

Gene: NCF4 (neutrophil cytosolic factor 4; plus strand). Cytogenetic location: 22q12.3.
Variant type: single nucleotide variant.
Coding change: c.409C>T on transcript NM_000631.5 (MANE Select); coding-DNA position 409, C replaced by T.
Protein change: p.Pro137Ser; replaces proline 137 with serine.
Molecular consequence: missense variant.
Genome position (GRCh38, 1-based): chr22:36,870,481, C>T. VCF-style: chr22-36870481-C-T. GRCh37 (hg19) VCF-style: chr22-37266523-C-T.
Other names: c.409C>T (NM_013416.3); c.409C>T, p.Pro137Ser (NM_013416.4); short protein forms P137S.
Identifiers: ClinVar variation 1384830 (VCV001384830.7), dbSNP rs1160758215, ClinGen allele CA411383854.

ClinVar aggregate classification (germline): Conflicting classifications of pathogenicity. Review status: criteria provided, conflicting classifications (1 of 4 stars). 2 submissions from 2 submitters: Uncertain significance (1); Likely benign (1). Last evaluated 2023-01-24.

Conditions:
Granulomatous disease, chronic, autosomal recessive, cytochrome b-positive, type 3. Also called: GRANULOMATOUS DISEASE, CHRONIC, DUE TO NCF4 DEFICIENCY; Granulomatous disease, chronic, autosomal recessive, cytochrome b-positive, type III; GRANULOMATOUS DISEASE, CHRONIC, AUTOSOMAL RECESSIVE, 3; CGD, AUTOSOMAL RECESSIVE CYTOCHROME b-POSITIVE, TYPE III. Identifiers: Orphanet 379, MedGen C3151409, MONDO:0013507, OMIM 613960.

Allele frequency attached by ClinVar (database versions not stated): gnomAD exomes below 0.00001 and 0.00001; gnomAD 0.00001; TOPMed 0.00002.
gnomAD v4.1: 11 of 1,613,790 alleles (0.00068%); highest among the groups gnomAD compares: Non-Finnish European, 0.00085%; no homozygotes.

Submissions (2):

Ambry Genetics
Classification: Likely benign. Last evaluated: 2023-01-24. Review status: criteria provided, single submitter. Criteria: Ambry Variant Classification Scheme 2023. Collection method: clinical testing. Allele origin: germline.

Labcorp Genetics (formerly Invitae), Labcorp
Classification: Uncertain significance for Granulomatous disease, chronic, autosomal recessive, cytochrome b-positive, type 3. Last evaluated: 2021-05-18. Review status: criteria provided, single submitter. Criteria: Invitae Variant Classification Sherloc (09022015). Collection method: clinical testing. Allele origin: germline.
Comment: In summary, the available evidence is currently insufficient to determine the role of this variant in disease. Therefore, it has been classified as a Variant of Uncertain Significance. Algorithms developed to predict the effect of missense changes on protein structure and function output the following: SIFT: "Tolerated"; PolyPhen-2: "Benign"; Align-GVGD: "Class C0". The serine amino acid residue is found in multiple mammalian species, suggesting that this missense change does not adversely affect protein function. These predictions have not been confirmed by published functional studies and their clinical significance is uncertain. This variant has not been reported in the literature in individuals with NCF4-related conditions. This variant is not present in population databases (ExAC no frequency). This sequence change replaces proline with serine at codon 137 of the NCF4 protein (p.Pro137Ser). The proline residue is weakly conserved and there is a moderate physicochemical difference between proline and serine.